The following is an entry in ClinVar:

ClinVar aggregate classification (germline): Uncertain significance (1 of 4 stars; one submission).

Allele frequency attached by ClinVar (database versions not stated): gnomAD 0.00001 and 0.00003; ExAC 0.00001.
gnomAD v4.1: 7 of 1,613,984 alleles (0.00043%); highest among the groups gnomAD compares: Non-Finnish European, 0.00051%; no homozygotes.

Submission:

GeneDx
Classification: Uncertain significance. Last evaluated: 2017-08-24. Review status: criteria provided, single submitter. Criteria: GeneDx Variant Classification (06012015). Collection method: clinical testing. Allele origin: germline. Affected: yes.
Comment: The M421L variant has not been published as a pathogenic variant, nor has it been reported as a benign variant to our knowledge. The variant is observed in 1/66628 (0.0015%) alleles from individuals of European background in the ExAC dataset (Lek et al., 2016). M421L is a conservative amino acid substitution, which is not likely to impact secondary protein structure as these residues share similar properties. This substitution occurs at a position that is not conserved, and in silico analysis predicts this variant likely does not alter the protein structure/function. In summary, based on the currently available information, it is unclear whether this variant is a pathogenic variant or a rare benign variant.

NM_144670.6(A2ML1):c.1261A>T (p.Met421Leu)

Gene: A2ML1 (alpha-2-macroglobulin like 1; plus strand). Cytogenetic location: 12p13.31.
Variant type: single nucleotide variant.
Coding change: c.1261A>T on transcript NM_144670.6 (MANE Select); coding-DNA position 1261, A replaced by T.
Protein change: p.Met421Leu; replaces methionine 421 with leucine.
Molecular consequence: missense variant.
Genome position (GRCh38, 1-based): chr12:8,843,146, A>T. VCF-style: chr12-8843146-A-T. GRCh37 (hg19) VCF-style: chr12-8995742-A-T.
Other names: short protein forms M421L.
Identifiers: ClinVar variation 451644 (VCV000451644.2), dbSNP rs768501124, ClinGen allele CA6435606.